The following is an entry in ClinVar:

ClinVar aggregate classification (germline): Uncertain significance. Review status: criteria provided, single submitter (1 of 4 stars). 2 submissions from 2 submitters: Uncertain significance (1). 1 of the submissions does not count toward it. Last evaluated 2019-10-03.

Conditions:
Frontotemporal dementia and/or amyotrophic lateral sclerosis 4. Also called: FTDALS4. Identifiers: Orphanet 275872, MedGen C4225325, MONDO:0014641, OMIM 616439.
TBK1-related disorder. Also called: TBK1-related condition.

Submissions (2):

Labcorp Genetics (formerly Invitae), Labcorp
Classification: Uncertain significance for Frontotemporal dementia and/or amyotrophic lateral sclerosis 4. Last evaluated: 2019-10-03. Review status: criteria provided, single submitter. Criteria: Invitae Variant Classification Sherloc (09022015). Collection method: clinical testing. Allele origin: germline.
Comment: This sequence change falls in intron 7 of the TBK1 gene. It does not directly change the encoded amino acid sequence of the TBK1 protein, but it affects a nucleotide within the consensus splice site of the intron. In summary, the available evidence is currently insufficient to determine the role of this variant in disease. Therefore, it has been classified as a Variant of Uncertain Significance. Nucleotide substitutions within the consensus splice site are a relatively common cause of aberrant splicing (PMID: 17576681, 9536098). Algorithms developed to predict the effect of sequence changes on RNA splicing suggest that this variant is not likely to affect RNA splicing, but this prediction has not been confirmed by published transcriptional studies. This variant has not been reported in the literature in individuals with TBK1-related conditions. This variant is not present in population databases (ExAC no frequency).

PreventionGenetics, part of Exact Sciences
Classification: Likely benign for TBK1-related condition. Last evaluated: 2023-03-08. Review status: no assertion criteria provided. Collection method: clinical testing. Allele origin: germline. Not counted in ClinVar's aggregate classification.
Comment: This variant is classified as likely benign based on ACMG/AMP sequence variant interpretation guidelines (Richards et al. 2015 PMID: 25741868, with internal and published modifications).

Literature cited by the submitters: PubMed 17576681 (cited by Labcorp Genetics (formerly Invitae), Labcorp); PubMed 9536098 (cited by Labcorp Genetics (formerly Invitae), Labcorp).

NM_013254.4(TBK1):c.813-3T>C

Gene: TBK1 (TANK binding kinase 1; plus strand). Cytogenetic location: 12q14.2.
Variant type: single nucleotide variant.
Coding change: c.813-3T>C on transcript NM_013254.4 (MANE Select); 3 bases into the intron before coding-DNA position 813, T replaced by C.
Molecular consequence: intron variant.
Genome position (GRCh38, 1-based): chr12:64,481,839, T>C. VCF-style: chr12-64481839-T-C. GRCh37 (hg19) VCF-style: chr12-64875619-T-C.
Identifiers: ClinVar variation 961128 (VCV000961128.10), dbSNP rs2040770701, ClinGen allele CA1139662764.